The following is an entry in ClinVar:

ClinVar aggregate classification (germline): Likely benign (0 of 4 stars; one submission).

Conditions:
CUL4B-related disorder. Also called: CUL4B-related condition.

Submission:

PreventionGenetics, part of Exact Sciences
Classification: Likely benign for CUL4B-related condition. Last evaluated: 2022-05-12. Review status: no assertion criteria provided. Collection method: clinical testing. Allele origin: germline.
Comment: This variant is classified as likely benign based on ACMG/AMP sequence variant interpretation guidelines (Richards et al. 2015 PMID: 25741868, with internal and published modifications).

NM_003588.4(CUL4B):c.15A>C (p.Ser5=)

Gene: CUL4B (cullin 4B; minus strand). Cytogenetic location: Xq24.
Variant type: single nucleotide variant.
Coding change: c.15A>C on transcript NM_003588.4; coding-DNA position 15, A replaced by C.
Protein change: p.Ser5=; no amino-acid change (serine 5 retained).
Molecular consequence: synonymous variant.
Genome position (GRCh38, 1-based): chrX:120,574,603, T>G on the plus strand (A>C on the coding strand, the complement: CUL4B is on the minus strand). VCF-style: chrX-120574603-T-G. GRCh37 (hg19) VCF-style: chrX-119708458-T-G.
Identifiers: ClinVar variation 3353778 (VCV003353778.1).
Genomic context (GRCh38, chrX:120,574,603, plus strand): 5'-TTACTCACCACCGTCTTTAGAGGTAGTAGCCTCATCATCATTCCCATCTCCTGATCCAGA[T>G]GACTGTGACATCATCCGTCCTTTGGGTCTACGATAGAAAACAGAGAATTCACTTTTCCAG-3'